The following is an entry in ClinVar:

NM_020975.6(RET):c.2689C>G (p.Arg897Gly)

Gene: RET (ret proto-oncogene; plus strand). Cytogenetic location: 10q11.21.
Variant type: single nucleotide variant.
Coding change: c.2689C>G on transcript NM_020975.6 (MANE Select); coding-DNA position 2689, C replaced by G.
Protein change: p.Arg897Gly; replaces arginine 897 with glycine.
Molecular consequence: missense variant.
Genome position (GRCh38, 1-based): chr10:43,120,162, C>G. VCF-style: chr10-43120162-C-G. GRCh37 (hg19) VCF-style: chr10-43615610-C-G.
Other names: c.2689C>G, p.Arg897Gly (NM_000323.2, NM_001406743.1, NM_001406744.1 and 4 more transcripts); c.1927C>G, p.Arg643Gly (NM_001355216.2); c.2560C>G, p.Arg854Gly (NM_001406761.1, NM_001406762.1, NM_001406764.1); c.2554C>G, p.Arg852Gly (NM_001406763.1, NM_001406765.1); c.2401C>G, p.Arg801Gly (NM_001406766.1, NM_001406767.1, NM_001406770.1); c.2425C>G, p.Arg809Gly (NM_001406768.1); c.2293C>G, p.Arg765Gly (NM_001406769.1, NM_001406772.1); c.2251C>G, p.Arg751Gly (NM_001406771.1, NM_001406773.1); and 10 more; short protein forms R553G, R567G, R852G, R414G, R722G, R751G, R809G, R854G.
Identifiers: ClinVar variation 1933764 (VCV001933764.5), dbSNP rs1060500759, ClinGen allele CA376557232.

ClinVar aggregate classification (germline): Uncertain significance (1 of 4 stars; one submission).

Conditions:
Multiple endocrine neoplasia, type 2 (MEN2). Identifiers: Orphanet 653, MedGen C4048306, MONDO:0019003. Disease mechanism: gain of function.

Submission:

Labcorp Genetics (formerly Invitae), Labcorp
Classification: Uncertain significance for Multiple endocrine neoplasia, type 2. Last evaluated: 2022-04-02. Review status: criteria provided, single submitter. Criteria: Invitae Variant Classification Sherloc (09022015). Collection method: clinical testing. Allele origin: germline.
Comment: In summary, the available evidence is currently insufficient to determine the role of this variant in disease. Therefore, it has been classified as a Variant of Uncertain Significance. Algorithms developed to predict the effect of missense changes on protein structure and function are either unavailable or do not agree on the potential impact of this missense change (SIFT: "Deleterious"; PolyPhen-2: "Probably Damaging"; Align-GVGD: "Class C0"). This variant has not been reported in the literature in individuals affected with RET-related conditions. This variant is not present in population databases (gnomAD no frequency). This sequence change replaces arginine, which is basic and polar, with glycine, which is neutral and non-polar, at codon 897 of the RET protein (p.Arg897Gly).